The following is an entry in ClinVar:

ClinVar aggregate classification (germline): Uncertain significance. Review status: criteria provided, multiple submitters, no conflicts (2 of 4 stars). 5 submissions from 5 submitters: Uncertain significance (5). Last evaluated 2026-03-03.

Conditions:
Juvenile polyposis syndrome (JPS). Identifiers: Orphanet 2929, MedGen C0345893, MONDO:0017380, OMIM 174900.
Familial thoracic aortic aneurysm and aortic dissection (TAAD). Also called: Thoracic aortic aneurysms and dissections. Identifiers: Orphanet 91387, MedGen C4707243, MONDO:0019625.
Hereditary cancer-predisposing syndrome. Also called: Tumor predisposition; Hereditary neoplastic syndrome; Hereditary Cancer Syndrome; Neoplastic Syndromes, Hereditary. Identifiers: Orphanet 140162, MedGen C0027672, MeSH D009386, MONDO:0015356.
Juvenile polyposis/hereditary hemorrhagic telangiectasia syndrome (JPHT). Also called: TELANGIECTASIA, HEREDITARY HEMORRHAGIC, WITH JUVENILE POLYPOSIS COLI; Juvenile Polyposis Syndrome / Hereditary Hemorrhagic Telangiectasia (JPS/HHT); JP/HHT SYNDROME; JUVENILE POLYPOSIS WITH HEREDITARY HEMORRHAGIC TELANGIECTASIA; POLYPOSIS, GENERALIZED JUVENILE, WITH PULMONARY ARTERIOVENOUS MALFORMATION. Identifiers: Orphanet 2929, MedGen C1832942, MONDO:0008278, OMIM 175050.

gnomAD v4.1: 2 of 1,613,610 alleles (0.00012%); highest among the groups gnomAD compares: Non-Finnish European, 0.00017%; no homozygotes.

Submissions (5):

Dasa
Classification: Uncertain significance. Last evaluated: 2026-03-03. Review status: criteria provided, single submitter. Criteria: DASA Assertion Criteria. Collection method: clinical testing. Allele origin: germline.
Comment: NM_005359.6(SMAD4):c.1405A>G (p.Ile469Val) is a missense variant that results in the substitution of isoleucine with valine. This variant is rare in population databases. The currently available literature and clinical evidence are not sufficient to establish a definitive association between this variant and the reported condition. Therefore, this variant is classified as a variant of uncertain significance.

Labcorp Genetics (formerly Invitae), Labcorp
Classification: Uncertain significance for Juvenile polyposis syndrome. Last evaluated: 2025-12-15. Review status: criteria provided, single submitter. Criteria: Invitae Variant Classification Sherloc (09022015). Collection method: clinical testing. Allele origin: germline.
Comment: This sequence change replaces isoleucine, which is neutral and non-polar, with valine, which is neutral and non-polar, at codon 469 of the SMAD4 protein (p.Ile469Val). This variant is not present in population databases (gnomAD no frequency). This variant has not been reported in the literature in individuals affected with SMAD4-related conditions. ClinVar contains an entry for this variant (Variation ID: 230933). Invitae Evidence Modeling of protein sequence and biophysical properties (such as structural, functional, and spatial information, amino acid conservation, physicochemical variation, residue mobility, and thermodynamic stability) has been performed for this missense variant. However, the output from this modeling did not meet the statistical confidence thresholds required to predict the impact of this variant on SMAD4 protein function. In summary, the available evidence is currently insufficient to determine the role of this variant in disease. Therefore, it has been classified as a Variant of Uncertain Significance.

Ambry Genetics
Classification: Uncertain significance for Hereditary cancer-predisposing syndrome; Familial thoracic aortic aneurysm and aortic dissection. Last evaluated: 2024-12-19. Review status: criteria provided, single submitter. Criteria: Ambry Variant Classification Scheme 2023. Collection method: clinical testing. Allele origin: germline.
Comment: The p.I469V variant (also known as c.1405A>G), located in coding exon 10 of the SMAD4 gene, results from an A to G substitution at nucleotide position 1405. The isoleucine at codon 469 is replaced by valine, an amino acid with highly similar properties. This amino acid position is highly conserved in available vertebrate species. In addition, the in silico prediction for this alteration is inconclusive. Since supporting evidence is limited at this time, the clinical significance of this alteration remains unclear.

Baylor Genetics
Classification: Uncertain significance for Juvenile polyposis/hereditary hemorrhagic telangiectasia syndrome. Last evaluated: 2023-12-26. Review status: criteria provided, single submitter. Criteria: ACMG Guidelines, 2015. Collection method: clinical testing. Allele origin: unknown.

Quest Diagnostics Nichols Institute San Juan Capistrano
Classification: Uncertain significance. Last evaluated: 2020-09-18. Review status: criteria provided, single submitter. Criteria: Quest Diagnostics criteria. Collection method: clinical testing. Allele origin: unknown.

NM_005359.6(SMAD4):c.1405A>G (p.Ile469Val)

Gene: SMAD4 (SMAD family member 4; plus strand). Cytogenetic location: 18q21.2.
Variant type: single nucleotide variant.
Coding change: c.1405A>G on transcript NM_005359.6 (MANE Select); coding-DNA position 1405, A replaced by G.
Protein change: p.Ile469Val; replaces isoleucine 469 with valine.
Molecular consequence: missense variant.
Genome position (GRCh38, 1-based): chr18:51,076,734, A>G. VCF-style: chr18-51076734-A-G. GRCh37 (hg19) VCF-style: chr18-48603104-A-G.
Other names: short protein forms I469V.
Identifiers: ClinVar variation 230933 (VCV000230933.18), dbSNP rs876658851, ClinGen allele CA10580988.